The following is an entry in ClinVar:

ClinVar aggregate classification (germline): Uncertain significance (1 of 4 stars; one submission).

Conditions:
Inborn genetic diseases. Identifiers: MedGen C0950123, MeSH D030342.

Submission:

Ambry Genetics
Classification: Uncertain significance for Inborn genetic diseases. Last evaluated: 2025-02-09. Review status: criteria provided, single submitter. Criteria: Ambry Variant Classification Scheme 2023. Collection method: clinical testing. Allele origin: germline.
Comment: The p.N871H variant (also known as c.2611A>C), located in coding exon 14 of the FANCM gene, results from an A to C substitution at nucleotide position 2611. The asparagine at codon 871 is replaced by histidine, an amino acid with similar properties. This amino acid position is conserved. In addition, this alteration is predicted to be tolerated by in silico analysis. Based on the available evidence, the clinical significance of this variant remains unclear.

NM_020937.4(FANCM):c.2611A>C (p.Asn871His)

Gene: FANCM (FA complementation group M; plus strand). Cytogenetic location: 14q21.2.
Variant type: single nucleotide variant.
Coding change: c.2611A>C on transcript NM_020937.4 (MANE Select); coding-DNA position 2611, A replaced by C.
Protein change: p.Asn871His; replaces asparagine 871 with histidine.
Molecular consequence: missense variant.
Genome position (GRCh38, 1-based): chr14:45,175,365, A>C. VCF-style: chr14-45175365-A-C. GRCh37 (hg19) VCF-style: chr14-45644568-A-C.
Other names: c.2533A>C, p.Asn845His (NM_001308133.2); short protein forms N845H, N871H.
Identifiers: ClinVar variation 3848716 (VCV003848716.1).